The following is an entry in ClinVar:

NM_017617.5(NOTCH1):c.4276C>T (p.His1426Tyr)

Gene: NOTCH1 (notch receptor 1; minus strand). Cytogenetic location: 9q34.3.
Variant type: single nucleotide variant.
Coding change: c.4276C>T on transcript NM_017617.5 (MANE Select); coding-DNA position 4276, C replaced by T.
Protein change: p.His1426Tyr; replaces histidine 1426 with tyrosine.
Molecular consequence: missense variant.
Genome position (GRCh38, 1-based): chr9:136,505,620, G>A on the plus strand (C>T on the coding strand, the complement: NOTCH1 is on the minus strand). VCF-style: chr9-136505620-G-A. GRCh37 (hg19) VCF-style: chr9-139400072-G-A.
Other names: c.4276C>T, p.His1426Tyr (LRG_1122t1); short protein forms H1426Y.
Identifiers: ClinVar variation 134936 (VCV000134936.1), dbSNP rs587778568, ClinGen allele CA161199.

ClinVar aggregate classification (germline): not provided (0 of 4 stars; one submission).

Allele frequency attached by ClinVar (database versions not stated): gnomAD exomes below 0.00001.
gnomAD v4.1: 2 of 1,612,136 alleles (0.00012%); highest among the groups gnomAD compares: Non-Finnish European, 0.00017%; no homozygotes.

Submission:

ITMI
No classification provided. Condition: AllHighlyPenetrant. Last evaluated: 2013-09-19. Review status: no classification provided. Collection method: reference population. Allele origin: germline.
Comment: Please see associated publication for description of ethnicities

Literature cited by the submitters: PubMed 24728327.